The following is an entry in ClinVar:

NM_001048174.2(MUTYH):c.937C>T (p.Leu313=)

Gene: MUTYH (mutY DNA glycosylase; minus strand). Cytogenetic location: 1p34.1.
Variant type: single nucleotide variant.
Coding change: c.937C>T on transcript NM_001048174.2 (MANE Select); coding-DNA position 937, C replaced by T.
Protein change: p.Leu313=; no amino-acid change (leucine 313 retained).
Molecular consequence: synonymous variant. On other transcripts: non-coding transcript variant (2).
Genome position (GRCh38, 1-based): chr1:45,331,826, G>A on the plus strand (C>T on the coding strand, the complement: MUTYH is on the minus strand). VCF-style: chr1-45331826-G-A. GRCh37 (hg19) VCF-style: chr1-45797498-G-A.
Other names: c.937C>T, p.Leu313= (NM_001048171.2, NM_001048173.2, NM_001293195.2); c.940C>T, p.Leu314= (NM_001048172.2); c.1021C>T, p.Leu341= (NM_001128425.2); c.982C>T, p.Leu328= (NM_001293190.2); c.970C>T, p.Leu324= (NM_001293191.2); c.661C>T, p.Leu221= (NM_001293192.2, NM_001293196.2); c.592C>T, p.Leu198= (NM_001350650.2, NM_001350651.2); c.1012C>T, p.Leu338= (NM_012222.3).
Identifiers: ClinVar variation 479987 (VCV000479987.16), dbSNP rs1176341647, ClinGen allele CA417879803.

ClinVar aggregate classification (germline): Likely benign. Review status: criteria provided, multiple submitters, no conflicts (2 of 4 stars). 4 submissions from 4 submitters: Likely benign (4). Last evaluated 2025-12-15.

Conditions:
Hereditary cancer-predisposing syndrome. Also called: Hereditary neoplastic syndrome; Hereditary Cancer Syndrome; Neoplastic Syndromes, Hereditary; Tumor predisposition. Identifiers: Orphanet 140162, MedGen C0027672, MeSH D009386, MONDO:0015356.
Familial adenomatous polyposis 2. Also called: MYH-associated polyposis; COLORECTAL ADENOMATOUS POLYPOSIS, AUTOSOMAL RECESSIVE; ADENOMAS, MULTIPLE COLORECTAL, AUTOSOMAL RECESSIVE; MUTYH-related attenuated familial adenomatous polyposis; Adenomas, multiple colorectal; FAP type 2. Identifiers: Orphanet 220460, Orphanet 247798, MedGen C3272841, MONDO:0012041, OMIM 608456.

Allele frequency attached by ClinVar (database versions not stated): gnomAD 0.00001; TOPMed 0.00001.

Submissions (4):

Labcorp Genetics (formerly Invitae), Labcorp
Classification: Likely benign for Familial adenomatous polyposis 2. Last evaluated: 2025-12-15. Review status: criteria provided, single submitter. Criteria: Invitae Variant Classification Sherloc (09022015). Collection method: clinical testing. Allele origin: germline.

All of Us Research Program, National Institutes of Health
Classification: Likely benign for Familial adenomatous polyposis 2. Last evaluated: 2023-05-04. Review status: criteria provided, single submitter. Criteria: ACMG Guidelines, 2015. Collection method: clinical testing. Allele origin: germline. Inheritance: Autosomal recessive inheritance. Observed: 1 variant allele, 1 heterozygote.
Comment: This study involves interpretation of variants in research participants for the purpose of population health screening. Participant phenotype was not available at the time of variant classification. Additional details can be found in publication PMID: 35346344, PMCID: PMC8962531

Color Diagnostics, LLC DBA Color Health
Classification: Likely benign for Hereditary cancer-predisposing syndrome. Last evaluated: 2021-07-26. Review status: criteria provided, single submitter. Criteria: ACMG Guidelines, 2015. Collection method: clinical testing. Allele origin: germline.

Ambry Genetics
Classification: Likely benign for Hereditary cancer-predisposing syndrome. Last evaluated: 2016-02-01. Review status: criteria provided, single submitter. Criteria: Ambry Variant Classification Scheme 2023. Collection method: clinical testing. Allele origin: germline.